The following is an entry in ClinVar:

ClinVar aggregate classification (germline): Uncertain significance. Review status: criteria provided, multiple submitters, no conflicts (2 of 4 stars). 2 submissions from 2 submitters: Uncertain significance (2). Last evaluated 2024-06-28.

Conditions:
Inborn genetic diseases. Identifiers: MedGen C0950123, MeSH D030342.

Allele frequency attached by ClinVar (database versions not stated): 1000 Genomes Project 30x 0.00016; 1000 Genomes Project 0.00020; ExAC 0.00049.
gnomAD v4.1: 90 of 1,520,550 alleles (0.0059%); highest among the groups gnomAD compares: South Asian, 0.088%; 2 homozygotes.

Submissions (2):

Ambry Genetics
Classification: Uncertain significance for Inborn genetic diseases. Last evaluated: 2024-06-28. Review status: criteria provided, single submitter. Criteria: Ambry Variant Classification Scheme 2023. Collection method: clinical testing. Allele origin: germline.

Labcorp Genetics (formerly Invitae), Labcorp
Classification: Uncertain significance. Last evaluated: 2022-11-01. Review status: criteria provided, single submitter. Criteria: Invitae Variant Classification Sherloc (09022015). Collection method: clinical testing. Allele origin: germline.
Comment: This sequence change replaces alanine, which is neutral and non-polar, with proline, which is neutral and non-polar, at codon 587 of the COL18A1 protein (p.Ala587Pro). This variant is present in population databases (rs560016001, gnomAD 0.1%). This variant has not been reported in the literature in individuals affected with COL18A1-related conditions. ClinVar contains an entry for this variant (Variation ID: 1435430). Experimental studies and prediction algorithms are not available or were not evaluated, and the functional significance of this variant is currently unknown. In summary, the available evidence is currently insufficient to determine the role of this variant in disease. Therefore, it has been classified as a Variant of Uncertain Significance.

NM_001379500.1(COL18A1):c.1759G>C (p.Ala587Pro)

Gene: COL18A1 (collagen type XVIII alpha 1 chain; plus strand). Cytogenetic location: 21q22.3.
Variant type: single nucleotide variant.
Coding change: c.1759G>C on transcript NM_001379500.1 (MANE Select); coding-DNA position 1759, G replaced by C.
Protein change: p.Ala587Pro; replaces alanine 587 with proline.
Molecular consequence: missense variant.
Genome position (GRCh38, 1-based): chr21:45,486,918, G>C. VCF-style: chr21-45486918-G-C. GRCh37 (hg19) VCF-style: chr21-46906832-G-C.
Other names: NM_130445.2:c.1759G>C; c.2299G>C, p.Ala767Pro (NM_030582.4); c.3004G>C, p.Ala1002Pro (NM_130444.3); short protein forms A767P, A1002P, A587P.
Identifiers: ClinVar variation 1435430 (VCV001435430.5), dbSNP rs560016001, ClinGen allele CA10066532.